The following is an entry in ClinVar:

ClinVar aggregate classification (germline): Uncertain significance (1 of 4 stars; one submission).

gnomAD v4.1: 2 of 1,614,120 alleles (0.00012%); highest among the groups gnomAD compares: Non-Finnish European, 0.00017%; no homozygotes.

Submission:

GeneDx
Classification: Uncertain significance. Last evaluated: 2023-04-20. Review status: criteria provided, single submitter. Criteria: GeneDx Variant Classification Process June 2021. Collection method: clinical testing. Allele origin: germline. Affected: yes.
Comment: Not observed at significant frequency in large population cohorts (gnomAD); In silico analysis supports that this missense variant does not alter protein structure/function; Has not been previously published as pathogenic or benign to our knowledge

NM_001042681.2(RERE):c.1966T>G (p.Ser656Ala)

Gene: RERE (arginine-glutamic acid dipeptide repeats; minus strand). Cytogenetic location: 1p36.23.
Variant type: single nucleotide variant.
Coding change: c.1966T>G on transcript NM_001042681.2 (MANE Select); coding-DNA position 1966, T replaced by G.
Protein change: p.Ser656Ala; replaces serine 656 with alanine.
Molecular consequence: missense variant.
Genome position (GRCh38, 1-based): chr1:8,361,813, A>C on the plus strand (T>G on the coding strand, the complement: RERE is on the minus strand). VCF-style: chr1-8361813-A-C. GRCh37 (hg19) VCF-style: chr1-8421873-A-C.
Other names: c.304T>G, p.Ser102Ala (NM_001042682.2); c.1966T>G, p.Ser656Ala (NM_012102.4); short protein forms S102A, S656A.
Identifiers: ClinVar variation 2662578 (VCV002662578.1), dbSNP rs2522725286, ClinGen allele CA338173604.
Genomic context (GRCh38, chr1:8,361,813, plus strand): 5'-CAAACCTCACCTGCGTTTTTGTCTTCTTGGAGCTGGTCCTGTCAGCCTCCTCCGTATCAG[A>C]GGCCACCTTCTCCCGCTGGCGTTTGTTACTCTTAAGAGGGGAAGAGGCTTCCTCCTTCAC-3'
Protein context (NP_001036146.1, residues 646-666): SNKRQREKVA[Ser656Ala]DTEEADRTSS